The following is an entry in ClinVar:

ClinVar aggregate classification (germline): Uncertain significance (1 of 4 stars; one submission).

Allele frequency attached by ClinVar (database versions not stated): gnomAD 0.00001.
gnomAD v4.1: 5 of 1,613,356 alleles (0.00031%); highest among the groups gnomAD compares: Non-Finnish European, 0.00042%; no homozygotes.

Submission:

Labcorp Genetics (formerly Invitae), Labcorp
Classification: Uncertain significance. Last evaluated: 2025-05-26. Review status: criteria provided, single submitter. Criteria: Invitae Variant Classification Sherloc (09022015). Collection method: clinical testing. Allele origin: germline.
Comment: This sequence change replaces alanine, which is neutral and non-polar, with serine, which is neutral and polar, at codon 1651 of the C3 protein (p.Ala1651Ser). This variant is not present in population databases (gnomAD no frequency). This variant has not been reported in the literature in individuals affected with C3-related conditions. ClinVar contains an entry for this variant (Variation ID: 2959842). Invitae Evidence Modeling of protein sequence and biophysical properties (such as structural, functional, and spatial information, amino acid conservation, physicochemical variation, residue mobility, and thermodynamic stability) indicates that this missense variant is not expected to disrupt C3 protein function with a negative predictive value of 80%. In summary, the available evidence is currently insufficient to determine the role of this variant in disease. Therefore, it has been classified as a Variant of Uncertain Significance.

NM_000064.4(C3):c.4951G>T (p.Ala1651Ser)

Gene: C3 (complement C3; minus strand). Cytogenetic location: 19p13.3.
Variant type: single nucleotide variant.
Coding change: c.4951G>T on transcript NM_000064.4 (MANE Select); coding-DNA position 4951, G replaced by T.
Protein change: p.Ala1651Ser; replaces alanine 1651 with serine.
Molecular consequence: missense variant.
Genome position (GRCh38, 1-based): chr19:6,677,923, C>A on the plus strand (G>T on the coding strand, the complement: C3 is on the minus strand). VCF-style: chr19-6677923-C-A. GRCh37 (hg19) VCF-style: chr19-6677934-C-A.
Other names: short protein forms A1651S.
Identifiers: ClinVar variation 2959842 (VCV002959842.3), dbSNP rs756442896, ClinGen allele CA304770337.